The following is an entry in ClinVar:

ClinVar aggregate classification (germline): Uncertain significance. Review status: criteria provided, multiple submitters, no conflicts (2 of 4 stars). 3 submissions from 3 submitters: Uncertain significance (3). Last evaluated 2025-12-28.

Conditions:
Classic or attenuated familial adenomatous polyposis. Identifiers: MedGen CN372698, MONDO:0021057.
Hereditary cancer-predisposing syndrome. Also called: Hereditary Cancer Syndrome; Hereditary neoplastic syndrome; Tumor predisposition; Neoplastic Syndromes, Hereditary. Identifiers: Orphanet 140162, MedGen C0027672, MeSH D009386, MONDO:0015356.
Familial adenomatous polyposis 1 (FAP1). Also called: FAMILIAL ADENOMATOUS POLYPOSIS 1, ATTENUATED; POLYPOSIS, ADENOMATOUS INTESTINAL. Identifiers: MedGen C2713442, MONDO:0021056, OMIM 175100. Disease mechanism: loss of function.

Submissions (3):

Labcorp Genetics (formerly Invitae), Labcorp
Classification: Uncertain significance for Familial adenomatous polyposis 1. Last evaluated: 2025-12-28. Review status: criteria provided, single submitter. Criteria: Invitae Variant Classification Sherloc (09022015). Collection method: clinical testing. Allele origin: germline.
Comment: This sequence change replaces proline, which is neutral and non-polar, with leucine, which is neutral and non-polar, at codon 2509 of the APC protein (p.Pro2509Leu). This variant is not present in population databases (gnomAD no frequency). This variant has not been reported in the literature in individuals affected with APC-related conditions. ClinVar contains an entry for this variant (Variation ID: 1396669). Invitae Evidence Modeling of protein sequence and biophysical properties (such as structural, functional, and spatial information, amino acid conservation, physicochemical variation, residue mobility, and thermodynamic stability) indicates that this missense variant is not expected to disrupt APC protein function with a negative predictive value of 95%. In summary, the available evidence is currently insufficient to determine the role of this variant in disease. Therefore, it has been classified as a Variant of Uncertain Significance.

Ambry Genetics
Classification: Uncertain significance for Hereditary cancer-predisposing syndrome. Last evaluated: 2023-09-22. Review status: criteria provided, single submitter. Criteria: Ambry Variant Classification Scheme 2023. Collection method: clinical testing. Allele origin: germline.
Comment: The p.P2509L variant (also known as c.7526C>T), located in coding exon 15 of the APC gene, results from a C to T substitution at nucleotide position 7526. The proline at codon 2509 is replaced by leucine, an amino acid with similar properties. This amino acid position is conserved. In addition, in silico predictors for this gene do not accurately predict pathogenicity. Since supporting evidence is limited at this time, the clinical significance of this alteration remains unclear.

All of Us Research Program, National Institutes of Health
Classification: Uncertain significance for Classic or attenuated familial adenomatous polyposis. Last evaluated: 2023-02-24. Review status: criteria provided, single submitter. Criteria: ACMG Guidelines, 2015. Collection method: clinical testing. Allele origin: germline. Inheritance: Autosomal dominant inheritance. Observed: 1 variant allele, 1 heterozygote.
Comment: This missense variant replaces proline with leucine at codon 2509 of the APC protein. Computational prediction suggests that this variant may not impact protein structure and function (internally defined REVEL score threshold <= 0.5, PMID: 27666373). To our knowledge, functional studies have not been reported for this variant. This variant has not been reported in individuals affected with APC-related disorders in the literature. This variant has not been identified in the general population by the Genome Aggregation Database (gnomAD). The available evidence is insufficient to determine the role of this variant in disease conclusively. Therefore, this variant is classified as a Variant of Uncertain Significance.

This study involves interpretation of variants in research participants for the purpose of population health screening. Participant phenotype was not available at the time of variant classification. Additional details can be found in publication PMID: 35346344, PMCID: PMC8962531

NM_000038.6(APC):c.7526C>T (p.Pro2509Leu)

Gene: APC (APC regulator of Wnt signaling pathway; plus strand). Cytogenetic location: 5q22.2.
Variant type: single nucleotide variant.
Coding change: c.7526C>T on transcript NM_000038.6 (MANE Select); coding-DNA position 7526, C replaced by T.
Protein change: p.Pro2509Leu; replaces proline 2509 with leucine.
Molecular consequence: missense variant.
Genome position (GRCh38, 1-based): chr5:112,843,120, C>T. VCF-style: chr5-112843120-C-T. GRCh37 (hg19) VCF-style: chr5-112178817-C-T.
Other names: c.7526C>T, p.Pro2509Leu (NM_001127510.3, NM_001354895.2); c.7472C>T, p.Pro2491Leu (NM_001127511.3); c.7580C>T, p.Pro2527Leu (NM_001354896.2); c.7556C>T, p.Pro2519Leu (NM_001354897.2); c.7451C>T, p.Pro2484Leu (NM_001354898.2); c.7442C>T, p.Pro2481Leu (NM_001354899.2); c.7403C>T, p.Pro2468Leu (NM_001354900.2); c.7349C>T, p.Pro2450Leu (NM_001354901.2); and 6 more; short protein forms P2383L, P2408L, P2509L, P2527L, P2349L, P2484L, P2519L, P2226L.
Identifiers: ClinVar variation 1396669 (VCV001396669.8), dbSNP rs1766502316, ClinGen allele CA16037694.